The following is an entry in ClinVar:

ClinVar aggregate classification (germline): Conflicting classifications of pathogenicity. Review status: criteria provided, conflicting classifications (1 of 4 stars). 2 submissions from 2 submitters: Pathogenic (1); Uncertain significance (1). Last evaluated 2025-09-02.

Conditions:
Biotinidase deficiency. Also called: BTD deficiency; Late-onset biotin-responsive multiple carboxylase deficiency; Biotin deficiency. Identifiers: Orphanet 79241, MedGen C0220754, MONDO:0009665, OMIM 253260.

Submissions (2):

Labcorp Genetics (formerly Invitae), Labcorp
Classification: Pathogenic for Biotinidase deficiency. Last evaluated: 2025-09-02. Review status: criteria provided, single submitter. Criteria: Invitae Variant Classification Sherloc (09022015). Collection method: clinical testing. Allele origin: germline.
Comment: This sequence change replaces proline, which is neutral and non-polar, with alanine, which is neutral and non-polar, at codon 111 of the BTD protein (p.Pro111Ala). This variant is not present in population databases (gnomAD no frequency). This missense change has been observed in individual(s) with biotinidase deficiency (PMID: 38299772; internal data). ClinVar contains an entry for this variant (Variation ID: 439037). Invitae Evidence Modeling of protein sequence and biophysical properties (such as structural, functional, and spatial information, amino acid conservation, physicochemical variation, residue mobility, and thermodynamic stability) indicates that this missense variant is expected to disrupt BTD protein function with a positive predictive value of 95%. For these reasons, this variant has been classified as Pathogenic.

Quest Diagnostics Nichols Institute San Juan Capistrano
Classification: Uncertain significance. Last evaluated: 2017-05-26. Review status: criteria provided, single submitter. Criteria: Quest Diagnostics criteria. Collection method: clinical testing. Allele origin: germline.

Literature cited by the submitters: PubMed 38299772 (cited by Labcorp Genetics (formerly Invitae), Labcorp).

NM_001370658.1(BTD):c.271C>G (p.Pro91Ala)

Gene: BTD (biotinidase; plus strand). Cytogenetic location: 3p25.1.
Variant type: single nucleotide variant.
Coding change: c.271C>G on transcript NM_001370658.1 (MANE Select); coding-DNA position 271, C replaced by G.
Protein change: p.Pro91Ala; replaces proline 91 with alanine.
Molecular consequence: missense variant.
Genome position (GRCh38, 1-based): chr3:15,641,929, C>G. VCF-style: chr3-15641929-C-G. GRCh37 (hg19) VCF-style: chr3-15683436-C-G.
Other names: c.331C>G, p.Pro111Ala (NM_000060.4); c.271C>G, p.Pro91Ala (NM_001281723.4, NM_001281724.3, NM_001281725.3 and 36 more transcripts); c.334C>G, p.Pro112Ala (NM_001407381.1); short protein forms P91A, P112A.
Identifiers: ClinVar variation 439037 (VCV000439037.12), dbSNP rs1553653070, ClinGen allele CA351605101.